The following is an entry in ClinVar:

ClinVar aggregate classification (germline): Uncertain significance. Review status: criteria provided, multiple submitters, no conflicts (2 of 4 stars). 2 submissions from 2 submitters: Uncertain significance (2). Last evaluated 2025-10-27.

Conditions:
Facioscapulohumeral muscular dystrophy 2 (FSHD2). Also called: FACIOSCAPULOHUMERAL MUSCULAR DYSTROPHY 2, DIGENIC; FSHD2, DIGENIC; MUSCULAR DYSTROPHY, FACIOSCAPULOHUMERAL, TYPE 1B. Identifiers: Orphanet 269, MedGen C1834671, MONDO:0008031, OMIM 158901.
Inborn genetic diseases. Identifiers: MedGen C0950123, MeSH D030342.

Allele frequency attached by ClinVar (database versions not stated): gnomAD exomes 0.00001; TOPMed 0.00001.
gnomAD v4.1: 12 of 1,613,660 alleles (0.00074%); highest among the groups gnomAD compares: Admixed American, 0.0033%; no homozygotes.

Submissions (2):

Labcorp Genetics (formerly Invitae), Labcorp
Classification: Uncertain significance for Facioscapulohumeral muscular dystrophy 2. Last evaluated: 2025-10-27. Review status: criteria provided, single submitter. Criteria: Invitae Variant Classification Sherloc (09022015). Collection method: clinical testing. Allele origin: germline.
Comment: This sequence change replaces valine, which is neutral and non-polar, with isoleucine, which is neutral and non-polar, at codon 422 of the SMCHD1 protein (p.Val422Ile). This variant is present in population databases (no rsID available, gnomAD 0.003%). This variant has not been reported in the literature in individuals affected with SMCHD1-related conditions. ClinVar contains an entry for this variant (Variation ID: 2225987). Invitae Evidence Modeling of protein sequence and biophysical properties (such as structural, functional, and spatial information, amino acid conservation, physicochemical variation, residue mobility, and thermodynamic stability) indicates that this missense variant is not expected to disrupt SMCHD1 protein function with a negative predictive value of 80%. In summary, the available evidence is currently insufficient to determine the role of this variant in disease. Therefore, it has been classified as a Variant of Uncertain Significance.

Ambry Genetics
Classification: Uncertain significance for Inborn genetic diseases. Last evaluated: 2021-10-22. Review status: criteria provided, single submitter. Criteria: Ambry Variant Classification Scheme 2023. Collection method: clinical testing. Allele origin: germline.

NM_015295.3(SMCHD1):c.1264G>A (p.Val422Ile)

Gene: SMCHD1 (structural maintenance of chromosomes flexible hinge domain containing 1; plus strand). Cytogenetic location: 18p11.32.
Variant type: single nucleotide variant.
Coding change: c.1264G>A on transcript NM_015295.3 (MANE Select); coding-DNA position 1264, G replaced by A.
Protein change: p.Val422Ile; replaces valine 422 with isoleucine.
Molecular consequence: missense variant.
Genome position (GRCh38, 1-based): chr18:2,697,963, G>A. VCF-style: chr18-2697963-G-A. GRCh37 (hg19) VCF-style: chr18-2697961-G-A.
Other names: short protein forms V422I.
Identifiers: ClinVar variation 2225987 (VCV002225987.5), dbSNP rs1429457379, ClinGen allele CA401697703.